The following is an entry in ClinVar:

ClinVar aggregate classification (germline): Benign (1 of 4 stars; one submission).

Allele frequency attached by ClinVar (database versions not stated): 1000 Genomes Project 0.11362; 1000 Genomes Project 30x 0.11384; TOPMed 0.13660.
gnomAD v4.1: 21,300 of 152,110 alleles (14%); highest among the groups gnomAD compares: Middle Eastern, 24%; 1,491 homozygotes.

Submission:

GeneDx
Classification: Benign. Last evaluated: 2018-06-14. Review status: criteria provided, single submitter. Criteria: GeneDx Variant Classification (06012015). Collection method: clinical testing. Allele origin: germline. Affected: yes.
Comment: This variant is considered likely benign or benign based on one or more of the following criteria: it is a conservative change, it occurs at a poorly conserved position in the protein, it is predicted to be benign by multiple in silico algorithms, and/or has population frequency not consistent with disease.

NM_152416.4(NDUFAF6):c.198-181T>C

Gene: NDUFAF6 (NADH:ubiquinone oxidoreductase complex assembly factor 6; plus strand). Cytogenetic location: 8q22.1.
Variant type: single nucleotide variant.
Coding change: c.198-181T>C on transcript NM_152416.4 (MANE Select); 181 bases into the intron before coding-DNA position 198, T replaced by C.
Molecular consequence: intron variant.
Genome position (GRCh38, 1-based): chr8:95,031,814, T>C. VCF-style: chr8-95031814-T-C. GRCh37 (hg19) VCF-style: chr8-96044042-T-C.
Other names: c.-136-181T>C (NM_001354534.2); c.-83-181T>C (NM_001354514.2, NM_001354515.2, NM_001330582.2 and 1 more transcripts); c.-456-181T>C (NM_001354525.2, NM_001354524.2); c.-383-181T>C (NM_001354522.2, NM_001354529.2); c.42-181T>C (NM_001354516.2); c.-571-181T>C (NM_001354528.2); c.-600-181T>C (NM_001354527.2); c.-255-181T>C (NM_001354518.2); and 6 more.
Identifiers: ClinVar variation 681229 (VCV000681229.1), dbSNP rs10105437, ClinGen allele CA12816690.